The following is an entry in ClinVar:

ClinVar aggregate classification (germline): Uncertain significance (1 of 4 stars; one submission).

Submission:

Labcorp Genetics (formerly Invitae), Labcorp
Classification: Uncertain significance. Last evaluated: 2024-02-14. Review status: criteria provided, single submitter. Criteria: Invitae Variant Classification Sherloc (09022015). Collection method: clinical testing. Allele origin: germline.
Comment: This sequence change replaces serine, which is neutral and polar, with cysteine, which is neutral and slightly polar, at codon 1282 of the GREB1L protein (p.Ser1282Cys). This variant is not present in population databases (gnomAD no frequency). This variant has not been reported in the literature in individuals affected with GREB1L-related conditions. An algorithm developed to predict the effect of missense changes on protein structure and function (PolyPhen-2) suggests that this variant is likely to be disruptive. In summary, the available evidence is currently insufficient to determine the role of this variant in disease. Therefore, it has been classified as a Variant of Uncertain Significance.

NM_001142966.3(GREB1L):c.3845C>G (p.Ser1282Cys)

Gene: GREB1L (GREB1 like retinoic acid receptor coactivator; plus strand). Cytogenetic location: 18q11.2.
Variant type: single nucleotide variant.
Coding change: c.3845C>G on transcript NM_001142966.3 (MANE Select); coding-DNA position 3845, C replaced by G.
Protein change: p.Ser1282Cys; replaces serine 1282 with cysteine.
Molecular consequence: missense variant.
Genome position (GRCh38, 1-based): chr18:21,500,182, C>G. VCF-style: chr18-21500182-C-G. GRCh37 (hg19) VCF-style: chr18-19080143-C-G.
Other names: c.3974C>G, p.Ser1325Cys (NM_001410867.1); c.3518C>G, p.Ser1173Cys (NM_001410868.1); short protein forms S1325C, S1282C, S1173C.
Identifiers: ClinVar variation 3639602 (VCV003639602.2).
Genomic context (GRCh38, chr18:21,500,182, plus strand): 5'-TGGCCTGGGTGAGCTCCCTGCGGCCACTCCTGAACAAGGACATGAGCAGTGAGGAGCAGT[C>G]CCTCTACTACAGGCAGTGGACCTTGGCCCGGCAGCACCACGCTGACTATAGCAACCAGCT-3'
Protein context (NP_001136438.1, residues 1272-1292): LNKDMSSEEQ[Ser1282Cys]LYYRQWTLAR